The following is an entry in ClinVar:

ClinVar aggregate classification (germline): Pathogenic (0 of 4 stars; one submission).

Conditions:
PKD1-related disorder. Also called: PKD1-related condition.

Submission:

PreventionGenetics, part of Exact Sciences
Classification: Pathogenic for PKD1-related condition. Last evaluated: 2024-03-22. Review status: no assertion criteria provided. Collection method: clinical testing. Allele origin: germline.
Comment: The PKD1 c.10722delG variant is predicted to result in a frameshift and premature protein termination (p.Trp3575Glyfs*10). To our knowledge, this variant has not been reported in the literature or in a large population database, indicating this variant is rare. Frameshift variants in PKD1 are expected to be pathogenic. This variant is interpreted as pathogenic.

NM_001009944.3(PKD1):c.10722del (p.Trp3575fs)

Genes: PKD1 (polycystin 1, transient receptor potential channel interacting; minus strand), PKD1-AS1 (PKD1 antisense RNA 1; plus strand). Cytogenetic location: 16p13.3.
Variant type: Deletion.
Coding change: c.10722del on transcript NM_001009944.3 (MANE Select); coding-DNA position 10722, one base deleted (G; older notation c.10722delG).
Protein change: p.Trp3575fs; shifts the reading frame from tryptophan 3575.
Molecular consequence: frameshift variant.
Genome position (GRCh38, 1-based): chr16:2,093,910, C deleted on the plus strand (G on the coding strand, the reverse complement: PKD1 is on the minus strand); the first of 3 consecutive C bases (chr16:2,093,910-2,093,912); deleting any one gives the same sequence. VCF-style (leftmost placement, unchanged base first): chr16-2093909-AC-A. GRCh37 (hg19) VCF-style: chr16-2143910-AC-A.
Other names: c.10719del, p.Trp3574fs (NM_000296.4); c.10722delG (NM_001009944.2); short protein forms W3574fs, W3575fs.
Identifiers: ClinVar variation 3349115 (VCV003349115.1).